The following is an entry in ClinVar:

ClinVar aggregate classification (germline): Uncertain significance. Review status: criteria provided, multiple submitters, no conflicts (2 of 4 stars). 2 submissions from 2 submitters: Uncertain significance (2). Last evaluated 2025-09-04.

Conditions:
Inborn genetic diseases. Identifiers: MedGen C0950123, MeSH D030342.
PKD1L1-related disorder. Also called: PKD1L1-related condition.

Allele frequency attached by ClinVar (database versions not stated): ExAC 0.00004; gnomAD 0.00007; ESP Exome Variant Server 0.00008; 1000 Genomes Project 0.00020; 1000 Genomes Project 30x 0.00031.
gnomAD v4.1: 33 of 1,613,976 alleles (0.002%); highest among the groups gnomAD compares: East Asian, 0.0067%; no homozygotes.

Submissions (2):

PreventionGenetics, part of Exact Sciences
Classification: Uncertain significance for PKD1L1-related condition. Last evaluated: 2025-09-04. Review status: criteria provided, single submitter. Criteria: ACMG Guidelines, 2015. Collection method: clinical testing. Allele origin: germline.
Comment: The PKD1L1 c.5180T>A variant is predicted to result in the amino acid substitution p.Leu1727His. To our knowledge, this variant has not been reported in the literature. This variant is reported in 0.0050% of alleles in individuals of East Asian descent in gnomAD. At this time, the clinical significance of this variant is uncertain due to the absence of conclusive functional and genetic evidence.

Ambry Genetics
Classification: Uncertain significance for Inborn genetic diseases. Last evaluated: 2021-09-16. Review status: criteria provided, single submitter. Criteria: Ambry Variant Classification Scheme 2023. Collection method: clinical testing. Allele origin: germline.

NM_138295.5(PKD1L1):c.5180T>A (p.Leu1727His)

Gene: PKD1L1 (polycystin 1 like 1, transient receptor potential channel interacting; minus strand). Cytogenetic location: 7p12.3.
Variant type: single nucleotide variant.
Coding change: c.5180T>A on transcript NM_138295.5 (MANE Select); coding-DNA position 5180, T replaced by A.
Protein change: p.Leu1727His; replaces leucine 1727 with histidine.
Molecular consequence: missense variant.
Genome position (GRCh38, 1-based): chr7:47,845,052, A>T on the plus strand (T>A on the coding strand, the complement: PKD1L1 is on the minus strand). VCF-style: chr7-47845052-A-T. GRCh37 (hg19) VCF-style: chr7-47884650-A-T.
Other names: short protein forms L1727H.
Identifiers: ClinVar variation 2384537 (VCV002384537.3), dbSNP rs139809983, ClinGen allele CA4252908.